The following is an entry in ClinVar:

NM_000059.4(BRCA2):c.6941del (p.Thr2314fs)

Gene: BRCA2 (BRCA2 DNA repair associated; plus strand). Cytogenetic location: 13q13.1.
Variant type: Deletion.
Coding change: c.6941del on transcript NM_000059.4 (MANE Select); coding-DNA position 6941, one base deleted (C; older notation c.6941delC).
Protein change: p.Thr2314fs; shifts the reading frame from threonine 2314.
Molecular consequence: frameshift variant.
Genome position (GRCh38, 1-based): chr13:32,346,830, C deleted. VCF-style (leftmost placement, unchanged base first): chr13-32346829-AC-A. GRCh37 (hg19) VCF-style: chr13-32920966-AC-A.
Other names: 7169delC; c.6941delC (NM_000059.3).
Identifiers: ClinVar variation 38074 (VCV000038074.18), dbSNP rs80359628, ClinGen allele CA024598.

ClinVar aggregate classification (germline): Pathogenic. Review status: reviewed by expert panel (3 of 4 stars). 8 submissions from 8 submitters: Pathogenic (1). 7 of the submissions do not count toward it. Last evaluated 2016-09-08.

Conditions:
Hereditary cancer-predisposing syndrome. Also called: Tumor predisposition; Neoplastic Syndromes, Hereditary; Hereditary neoplastic syndrome; Hereditary Cancer Syndrome. Identifiers: Orphanet 140162, MedGen C0027672, MeSH D009386, MONDO:0015356.
Hereditary breast ovarian cancer syndrome. Also called: Hereditary breast and ovarian cancer; Hereditary breast and ovarian cancer syndrome (HBOC); Hereditary breast and/or ovarian cancer syndrome; Breast and ovarian cancer; Hereditary breast and ovarian cancer syndrome; BRCA1- and BRCA2-Associated Hereditary Breast and Ovarian Cancer. Identifiers: Orphanet 145, MedGen C0677776, MeSH D061325, MONDO:0003582. Disease mechanism: loss of function.
Breast-ovarian cancer, familial, susceptibility to, 2 (BROVCA2). Also called: BRCA2 Hereditary Breast and Ovarian Cancer. Identifiers: Orphanet 145, MedGen C2675520, MONDO:0012933, OMIM 612555. Disease mechanism: loss of function.

Submissions (8):

Evidence-based Network for the Interpretation of Germline Mutant Alleles (ENIGMA)
Classification: Pathogenic for Breast-ovarian cancer, familial, susceptibility to, 2. Last evaluated: 2016-09-08. Review status: reviewed by expert panel. Criteria: ENIGMA BRCA1/2 Classification Criteria (2015). Collection method: curation. Allele origin: germline.
Comment: Variant allele predicted to encode a truncated non-functional protein.

Ambry Genetics
Classification: Pathogenic for Hereditary cancer-predisposing syndrome. Last evaluated: 2025-11-05. Review status: criteria provided, single submitter. Criteria: Ambry Variant Classification Scheme 2023. Collection method: clinical testing. Allele origin: germline. Not counted in ClinVar's aggregate classification.
Comment: The c.6941delC pathogenic mutation, located in coding exon 12 of the BRCA2 gene, results from a deletion of one nucleotide at nucleotide position 6941, causing a translational frameshift with a predicted alternate stop codon (p.T2314Kfs*2). This variant was reported in individual(s) with features consistent with BRCA2-related cancer predisposition (Borg A et al. Hum Mutat, 2010 Mar;31:E1200-40; Fostira F et al. Breast Cancer Res Treat, 2018 May;169:105-113; Apostolou P et al. Int J Cancer, 2020 Sep;147:1334-1342; Apessos A et al. Cancer Genet 2018 Jan;220:1-12). This variant is considered to be rare based on population cohorts in the Genome Aggregation Database (gnomAD). This alteration is expected to result in loss of function by premature protein truncation or nonsense-mediated mRNA decay. As such, this alteration is interpreted as a disease-causing mutation.

Labcorp Genetics (formerly Invitae), Labcorp
Classification: Pathogenic for Hereditary breast ovarian cancer syndrome. Last evaluated: 2025-10-29. Review status: criteria provided, single submitter. Criteria: Invitae Variant Classification Sherloc (09022015). Collection method: clinical testing. Allele origin: germline. Not counted in ClinVar's aggregate classification.
Comment: This sequence change creates a premature translational stop signal (p.Thr2314Lysfs*2) in the BRCA2 gene. It is expected to result in an absent or disrupted protein product. Loss-of-function variants in BRCA2 are known to be pathogenic (PMID: 20104584). This variant is not present in population databases (gnomAD no frequency). This premature translational stop signal has been observed in individual(s) with female breast cancer and male breast cancer (PMID: 20104584, 29335925). This variant is also known as 7169delC. ClinVar contains an entry for this variant (Variation ID: 38074). For these reasons, this variant has been classified as Pathogenic.

GeneKor MSA
Classification: Pathogenic for Hereditary breast ovarian cancer syndrome. Last evaluated: 2025-05-15. Review status: criteria provided, single submitter. Criteria: ACMG Guidelines, 2015. Collection method: clinical testing. Allele origin: germline. Not counted in ClinVar's aggregate classification.
Comment: This sequence change deletes one base from exon 13 of the BRCA2 mRNA (c.6941delC) causing a frameshift after codon 2314 and the creation of a premature translation stop signal 2 amino acid residues later p. (Thr2314Lysfs*2). This is expected to result in an absent or disrupted protein product. Truncating variants in BRCA2 are known to be pathogenic. This variant has been reported in individuals with breast cancer (PMID:29310832).This variant is not present in population databases (rs80359628,ExAC no frequency). The mutation database ClinVar contains entries for this variant where it is listed as pathogenic (VCV000038074.15). Based on the classification criteria set by the ACMG and AMP (PMID:25741868) this variant has been classified as Pathogenic.

Color Diagnostics, LLC DBA Color Health
Classification: Pathogenic for Hereditary cancer-predisposing syndrome. Last evaluated: 2024-04-29. Review status: criteria provided, single submitter. Criteria: ACMG Guidelines, 2015. Collection method: clinical testing. Allele origin: germline. Not counted in ClinVar's aggregate classification.
Comment: This variant deletes 1 nucleotide in exon 13 of the BRCA2 gene, creating a frameshift and premature translation stop signal. This variant is expected to result in an absent or non-functional protein product. This variant has been reported in two individuals affected with breast cancer (PMID: 20104584, 29335925, 32022259) and has been identified in 2 families among the CIMBA participants (PMID: 29446198). This variant has not been identified in the general population by the Genome Aggregation Database (gnomAD). Loss of BRCA2 function is a known mechanism of disease. Based on the available evidence, this variant is classified as Pathogenic.

Consortium of Investigators of Modifiers of BRCA1/2 (CIMBA), c/o University of Cambridge
Classification: Pathogenic for Breast-ovarian cancer, familial, susceptibility to, 2. Last evaluated: 2015-10-02. Review status: criteria provided, single submitter. Criteria: CIMBA Mutation Classification guidelines May 2016. Collection method: clinical testing. Allele origin: germline. Not counted in ClinVar's aggregate classification.

Sharing Clinical Reports Project (SCRP)
Classification: Pathogenic for Breast-ovarian cancer, familial 2. Last evaluated: 2012-05-01. Review status: no assertion criteria provided. Collection method: clinical testing. Allele origin: germline. Not counted in ClinVar's aggregate classification.

Breast Cancer Information Core (BIC) (BRCA2)
Classification: Pathogenic for Breast-ovarian cancer, familial 2. Last evaluated: 2001-02-16. Review status: no assertion criteria provided. Collection method: clinical testing. Allele origin: germline. Affected: yes. Observed: 1 variant allele. Not counted in ClinVar's aggregate classification.

Literature cited by the submitters: PubMed 20104584 (cited by 3 submitters); PubMed 29310832 (cited by Ambry Genetics and GeneKor MSA); PubMed 29335925 (cited by 3 submitters); PubMed 32022259 (cited by Ambry Genetics and Color Diagnostics, LLC DBA Color Health); PubMed 29446198 (cited by Color Diagnostics, LLC DBA Color Health).